The following is an entry in ClinVar:

NM_006979.3(SLC39A7):c.152A>G (p.His51Arg)

Gene: SLC39A7 (solute carrier family 39 member 7; plus strand). Cytogenetic location: 6p21.32.
Variant type: single nucleotide variant.
Coding change: c.152A>G on transcript NM_006979.3 (MANE Select); coding-DNA position 152, A replaced by G.
Protein change: p.His51Arg; replaces histidine 51 with arginine.
Molecular consequence: missense variant. On other transcripts: intron variant (1).
Genome position (GRCh38, 1-based): chr6:33,201,397, A>G. VCF-style: chr6-33201397-A-G. GRCh37 (hg19) VCF-style: chr6-33169174-A-G.
Other names: c.152A>G, p.His51Arg (NM_001077516.2); c.52+9A>G (NM_001288777.2); short protein forms H51R.
Identifiers: ClinVar variation 2134502 (VCV002134502.4), dbSNP rs763865179, ClinGen allele CA363634708.
Genomic context (GRCh38, chr6:33,201,397, plus strand): 5'-ATGACGACCTGCACGACGATCTGCAAGAGGACTTCCATGGCCACAGCCACAGGCACTCAC[A>G]TGAAGATTTCCACCATGGCCACAGCCATGCCCATGGCCATGGCCACACTCACGAGAGCAT-3'
Protein context (NP_008910.2, residues 41-61): DFHGHSHRHS[His51Arg]EDFHHGHSHA

ClinVar aggregate classification (germline): Uncertain significance (1 of 4 stars; one submission).

Allele frequency attached by ClinVar (database versions not stated): TOPMed 0.00001.

Submission:

Labcorp Genetics (formerly Invitae), Labcorp
Classification: Uncertain significance. Last evaluated: 2022-05-06. Review status: criteria provided, single submitter. Criteria: Invitae Variant Classification Sherloc (09022015). Collection method: clinical testing. Allele origin: germline.
Comment: In summary, the available evidence is currently insufficient to determine the role of this variant in disease. Therefore, it has been classified as a Variant of Uncertain Significance. Algorithms developed to predict the effect of missense changes on protein structure and function are either unavailable or do not agree on the potential impact of this missense change (SIFT: "Deleterious"; PolyPhen-2: "Not Available"; Align-GVGD: "Class C0"). This variant has not been reported in the literature in individuals affected with SLC39A7-related conditions. This variant is not present in population databases (gnomAD no frequency). This sequence change replaces histidine, which is basic and polar, with arginine, which is basic and polar, at codon 51 of the SLC39A7 protein (p.His51Arg).